The following is an entry in ClinVar:

NM_016030.6(TRAPPC12):c.1843G>A (p.Gly615Arg)

Gene: TRAPPC12 (trafficking protein particle complex subunit 12; plus strand). Cytogenetic location: 2p25.3.
Variant type: single nucleotide variant.
Coding change: c.1843G>A on transcript NM_016030.6 (MANE Select); coding-DNA position 1843, G replaced by A.
Protein change: p.Gly615Arg; replaces glycine 615 with arginine.
Molecular consequence: missense variant.
Genome position (GRCh38, 1-based): chr2:3,477,761, G>A. VCF-style: chr2-3477761-G-A. GRCh37 (hg19) VCF-style: chr2-3481532-G-A.
Other names: c.1843G>A, p.Gly615Arg (NM_001321102.2); short protein forms G615R.
Identifiers: ClinVar variation 1690674 (VCV001690674.2), dbSNP rs1666358102, ClinGen allele CA345733854.
Genomic context (GRCh38, chr2:3,477,761, plus strand): 5'-GACATAAAAACAGCTGAAAAGTATTTTCAAGACGTTGAGAAAGTAACACAGAAATTAGAT[G>A]GACTACAGGGTAAAATCATGGTTTTGATGAACAGGTAAATATTTTAAAACTAAATATATG-3'
Protein context (NP_057114.5, residues 605-625): DVEKVTQKLD[Gly615Arg]LQGKIMVLMN

ClinVar aggregate classification (germline): Uncertain significance (1 of 4 stars; one submission).

Allele frequency attached by ClinVar (database versions not stated): gnomAD exomes below 0.00001; TOPMed 0.00001.
gnomAD v4.1: 2 of 1,604,150 alleles (0.00012%); highest among the groups gnomAD compares: Non-Finnish European, 0.00017%; no homozygotes.

Submission:

Laboratorio de Genetica e Diagnostico Molecular, Hospital Israelita Albert Einstein
Classification: Uncertain significance. Last evaluated: 2019-08-26. Review status: criteria provided, single submitter. Criteria: ACMG Guidelines, 2015. Collection method: clinical testing. Allele origin: germline. Affected: yes.
Comment: ACMG classification criteria: PM2, BP4